The following is an entry in ClinVar:

NM_001277313.2(FMN1):c.2044-1667G>C

Gene: FMN1 (formin 1; minus strand). Cytogenetic location: 15q13.3.
Variant type: single nucleotide variant.
Coding change: c.2044-1667G>C on transcript NM_001277313.2 (MANE Select); 1667 bases into the intron before coding-DNA position 2044, G replaced by C.
Molecular consequence: intron variant. On other transcripts: missense variant (1).
Genome position (GRCh38, 1-based): chr15:33,066,741, C>G on the plus strand (G>C on the coding strand, the complement: FMN1 is on the minus strand). VCF-style: chr15-33066741-C-G. GRCh37 (hg19) VCF-style: chr15-33358942-C-G.
Other names: c.1144G>C, p.Gly382Arg (NM_001103184.4); short protein forms G382R.
Identifiers: ClinVar variation 2754091 (VCV002754091.3), dbSNP rs190781509, ClinGen allele CA7457169.
Genomic context (GRCh38, chr15:33,066,741, plus strand): 5'-GGGCTGTCTCTGGCGACTTTGGCTTGACCTCACCACCCTGGGTTTGTGGTACTCCAGGGC[C>G]GCTCTGGCTCTCTTGGTCAGCATTGCAGCCCATCTCTTCTCTCCTGGGCGACTCAGGGTC-3'

ClinVar aggregate classification (germline): Uncertain significance (1 of 4 stars; one submission).

gnomAD v4.1: 34 of 1,613,822 alleles (0.0021%); highest among the groups gnomAD compares: East Asian, 0.076%; no homozygotes.

Submission:

Labcorp Genetics (formerly Invitae), Labcorp
Classification: Uncertain significance. Last evaluated: 2023-09-20. Review status: criteria provided, single submitter. Criteria: Invitae Variant Classification Sherloc (09022015). Collection method: clinical testing. Allele origin: germline.
Comment: In summary, the available evidence is currently insufficient to determine the role of this variant in disease. Therefore, it has been classified as a Variant of Uncertain Significance. Experimental studies and prediction algorithms are not available or were not evaluated, and the functional significance of this variant is currently unknown. This variant has not been reported in the literature in individuals affected with FMN1-related conditions. This variant is present in population databases (rs190781509, gnomAD 0.01%). This sequence change replaces glycine, which is neutral and non-polar, with arginine, which is basic and polar, at codon 382 of the FMN1 protein (p.Gly382Arg).